The following is an entry in ClinVar:

NM_001199107.2(TBC1D24):c.328G>A (p.Gly110Ser)

Gene: TBC1D24 (TBC1 domain family member 24; plus strand). Cytogenetic location: 16p13.3.
Variant type: single nucleotide variant.
Coding change: c.328G>A on transcript NM_001199107.2 (MANE Select); coding-DNA position 328, G replaced by A.
Protein change: p.Gly110Ser; replaces glycine 110 with serine.
Molecular consequence: missense variant.
Genome position (GRCh38, 1-based): chr16:2,496,476, G>A. VCF-style: chr16-2496476-G-A. GRCh37 (hg19) VCF-style: chr16-2546477-G-A.
Other names: c.328G>A, p.Gly110Ser (NM_020705.3); short protein forms G110S.
Identifiers: ClinVar variation 183154 (VCV000183154.20), dbSNP rs747821285, ClinGen allele CA347140.

ClinVar aggregate classification (germline): Conflicting classifications of pathogenicity. Review status: criteria provided, conflicting classifications (1 of 4 stars). 5 submissions from 5 submitters: Pathogenic (1); Likely pathogenic (1); Uncertain significance (2). 1 of the submissions does not count toward it. Last evaluated 2026-07-14.

Conditions:
TBC1D24-related disorder. Also called: TBC1D24-related disorders; TBC1D24-related condition. Identifiers: MedGen CN381194.
Autosomal dominant nonsyndromic hearing loss 65. Also called: TBC1D24-Related Autosomal Dominant Nonsyndromic Hearing Loss (DFNA); Deafness, autosomal dominant 65. Identifiers: Orphanet 90635, MedGen C3892048, MONDO:0014470, OMIM 616044.
Developmental and epileptic encephalopathy, 1 (DEE1). Also called: West's syndrome; Tonic spasms with clustering, arrest of psychomotor development and hypsarrhythmia on EEG; X-Linked Infantile Spasm Syndrome; X-linked infantile spasms; INFANTILE SPASM SYNDROME, X-LINKED 1; Epileptic encephalopathy, early infantile, 1. Identifiers: MedGen C3463992, MONDO:0010632, OMIM 308350. Disease mechanism: loss of function.
DOORS syndrome (DOORS). Also called: DEAFNESS, ONYCHODYSTROPHY, OSTEODYSTROPHY, IMPAIRED INTELLECTUAL DEVELOPMENT, AND SEIZURES SYNDROME; DRC SYNDROME; BRACHYDACTYLY DUE TO ABSENCE OF DISTAL PHALANGES; ERONEN SYNDROME; Digitorenocerebral syndrome; DOOR SYNDROME. Identifiers: Orphanet 3231, Orphanet 79500, MedGen C0795934, MONDO:0009079, OMIM 220500. Disease mechanism: loss of function.

Allele frequency attached by ClinVar (database versions not stated): gnomAD exomes below 0.00001 and 0.00001; ExAC 0.00001; TOPMed 0.00001.
gnomAD v4.1: 8 of 1,610,974 alleles (0.0005%); highest among the groups gnomAD compares: Admixed American, 0.0017%; no homozygotes.

Submissions (5):

GeneDx
Classification: Likely pathogenic. Last evaluated: 2026-07-14. Review status: criteria provided, single submitter. Criteria: GeneDx Variant Classification Process June 2021. Collection method: clinical testing. Allele origin: germline.
Comment: Not observed at significant frequency in large population cohorts (gnomAD); In silico analysis supports that this missense variant has a deleterious effect on protein structure/function; This variant is associated with the following publications: (PMID: 28428906, 28606688, 24291220)

PreventionGenetics, part of Exact Sciences
Classification: Uncertain significance for TBC1D24-related condition. Last evaluated: 2026-06-03. Review status: criteria provided, single submitter. Criteria: ACMG Guidelines, 2015. Collection method: clinical testing. Allele origin: germline.
Comment: The TBC1D24 c.328G>A variant is predicted to result in the amino acid substitution p.Gly110Ser. This variant was reported in compound heterozygous state an individual with deafness, onychodystrophy, osteodystrophy, mental retardation, and seizures syndrome (Campeau et al. 2014. PubMed ID: 24291220). This variant is reported in 0.0029% of alleles in individuals of Latino descent in gnomAD. Although we suspect that this variant may be pathogenic, at this time, the clinical significance of this variant is uncertain due to the absence of conclusive functional and genetic evidence.

Labcorp Genetics (formerly Invitae), Labcorp
Classification: Uncertain significance for Developmental and epileptic encephalopathy, 1; Autosomal dominant nonsyndromic hearing loss 65. Last evaluated: 2025-06-10. Review status: criteria provided, single submitter. Criteria: Invitae Variant Classification Sherloc (09022015). Collection method: clinical testing. Allele origin: germline.
Comment: This sequence change replaces glycine, which is neutral and non-polar, with serine, which is neutral and polar, at codon 110 of the TBC1D24 protein (p.Gly110Ser). The frequency data for this variant in the population databases is considered unreliable, as metrics indicate poor data quality at this position in the gnomAD database. This missense change has been observed in individual(s) with DOORS syndrome (Deafness, Onychodystrophy, Osteodystrophy, mental Retardation, and Seizures) (PMID: 24291220; internal data). In at least one individual the data is consistent with being in trans (on the opposite chromosome) from a pathogenic variant. ClinVar contains an entry for this variant (Variation ID: 183154). Invitae Evidence Modeling of protein sequence and biophysical properties (such as structural, functional, and spatial information, amino acid conservation, physicochemical variation, residue mobility, and thermodynamic stability) has been performed for this missense variant. However, the output from this modeling did not meet the statistical confidence thresholds required to predict the impact of this variant on TBC1D24 protein function. In summary, the available evidence is currently insufficient to determine the role of this variant in disease. Therefore, it has been classified as a Variant of Uncertain Significance.

Lupski Lab, Baylor-Hopkins CMG, Baylor College of Medicine
Classification: Pathogenic for DOORS syndrome. Last evaluated: 2014-01-01. Review status: criteria provided, single submitter. Criteria: Campeau et al. (Lancet Neurol 2014). Collection method: research. Allele origin: germline. Inheritance: Autosomal recessive inheritance. Affected: yes and no. Observed: 2 variant alleles, 1 heterozygote, 1 compound heterozygote.
Comment: We identified 26 families with DOORS syndrome; each patient had at least 3 of the 5 well-described features of DOORS syndrome, which include deafness, onychodystrophy, osteodystrophy, intellectual disability, and seizures. A combination of whole-exome sequencing and Sanger sequencing identified homozygous or compound heterozygous pathogenic variants in TBC1D24 in 11 individuals from 9 families.

Division of Medical Genetics; Sainte-Justine Hospital
Classification: Pathogenic for DOORS. Last evaluated: 2014-12-22. Review status: no assertion criteria provided. Collection method: literature only. Allele origin: germline. Affected: yes. Not counted in ClinVar's aggregate classification.

Literature cited by the submitters: PubMed 24291220 (cited by Labcorp Genetics (formerly Invitae), Labcorp); PubMed 25169651 (cited by Lupski Lab, Baylor-Hopkins CMG, Baylor College of Medicine); PubMed 25719194 (cited by Lupski Lab, Baylor-Hopkins CMG, Baylor College of Medicine).